The following is an entry in ClinVar:

ClinVar aggregate classification (germline): Conflicting classifications of pathogenicity. Review status: criteria provided, conflicting classifications (1 of 4 stars). 2 submissions from 2 submitters: Uncertain significance (1); Benign (1). Last evaluated 2018-01-12.

Conditions:
Maturity-onset diabetes of the young (MODY). Also called: Maturity onset diabetes mellitus in young. Identifiers: Orphanet 552, MedGen C0342276, MONDO:0018911, HP:0004904.
Maturity-onset diabetes of the young type 3. Also called: MODY, type III; MODY type 3. Identifiers: Orphanet 552, MedGen C1838100, MeSH C563933, MONDO:0010894, OMIM 600496. Disease mechanism: loss of function.

Allele frequency attached by ClinVar (database versions not stated): gnomAD exomes 0.04376 and 0.05387; gnomAD 0.05950 and 0.06152; TOPMed 0.06686; ExAC 0.06883; 1000 Genomes Project 30x 0.11961; 1000 Genomes Project 0.12001.
gnomAD v4.1: 26,227 of 536,014 alleles (4.9%); highest among the groups gnomAD compares: East Asian, 20%; 1,483 homozygotes.

Submissions (2):

Illumina Laboratory Services, Illumina
Classification: Benign for Maturity-onset diabetes of the young type 3. Last evaluated: 2018-01-12. Review status: criteria provided, single submitter. Criteria: ICSL Variant Classification Criteria 13 December 2019. Collection method: clinical testing. Allele origin: germline.
Comment: This variant was observed in the ICSL laboratory as part of a predisposition screen in an ostensibly healthy population. It had not been previously curated by ICSL or reported in the Human Gene Mutation Database (HGMD: prior to June 1st, 2018), and was therefore a candidate for classification through an automated scoring system. Utilizing variant allele frequency, disease prevalence and penetrance estimates, and inheritance mode, an automated score was calculated to assess if this variant is too frequent to cause the disease. Based on the score and internal cut-off values, a variant classified as benign is not then subjected to further curation. The score for this variant resulted in a classification of benign for this disease.

Clinical Genomics, Uppaluri K&H Personalized Medicine Clinic
Classification: Uncertain significance for Maturity-onset diabetes of the young. Review status: criteria provided, single submitter. Criteria: K&H Uppaluri Personalized Medicine Clinic Variant Classification & Assertion Criteria. Collection method: research. Allele origin: somatic. Inheritance: Autosomal dominant inheritance.
Comment: Mutations in HNF1A gene can predispose to MODY3. It is associated with both micro and macrovascular complications of diabetes, especially cardiovascular complications. Associated with glucosuria. Good response to sulfonylureas. However, Insufficient evidence to confer association of rs11065390 variant with T2DM.

Literature cited by the submitters: DOI 10.1038/s41598-020-73048-6 (cited by Clinical Genomics, Uppaluri K&H Personalized Medicine Clinic).

NM_000545.8(HNF1A):c.*603G>A

Genes: C12orf43 (chromosome 12 open reading frame 43; minus strand), HNF1A (HNF1 homeobox A; plus strand). Cytogenetic location: 12q24.31.
Variant type: single nucleotide variant.
Coding change: c.*603G>A on transcript NM_000545.8 (MANE Select); 603 bases downstream of the stop codon, G replaced by A.
Molecular consequence: 3 prime UTR variant.
Genome position (GRCh38, 1-based): chr12:121,001,795, G>A. VCF-style: chr12-121001795-G-A. GRCh37 (hg19) VCF-style: chr12-121439598-G-A.
Other names: c.*2358C>T (NM_001286191.2, NM_001286196.2, NM_022895.3); c.*603G>A (NM_001306179.2, NM_001406915.1).
Identifiers: ClinVar variation 307470 (VCV000307470.6), dbSNP rs11065390, ClinGen allele CA6832235.